The following is an entry in ClinVar:

NM_006739.4(MCM5):c.470C>T (p.Ala157Val)

Gene: MCM5 (minichromosome maintenance complex component 5; plus strand). Cytogenetic location: 22q12.3.
Variant type: single nucleotide variant.
Coding change: c.470C>T on transcript NM_006739.4 (MANE Select); coding-DNA position 470, C replaced by T.
Protein change: p.Ala157Val; replaces alanine 157 with valine.
Molecular consequence: missense variant.
Genome position (GRCh38, 1-based): chr22:35,406,599, C>T. VCF-style: chr22-35406599-C-T. GRCh37 (hg19) VCF-style: chr22-35802592-C-T.
Other names: short protein forms A157V.
Identifiers: ClinVar variation 1521708 (VCV001521708.6), dbSNP rs140804920, ClinGen allele CA10205043.
Genomic context (GRCh38, chr22:35,406,599, plus strand): 5'-TGGCTCTATTACAGTCGGACATGATGTCACACCTGGTGAAGATCCCTGGCATCATCATCG[C>T]GGCCTCTGCGGTCCGTGCCAAGGCCACCCGCATCTCTATCCAGTGCCGCAGCTGCCGCAA-3'
Protein context (NP_006730.2, residues 147-167): HLVKIPGIII[Ala157Val]ASAVRAKATR

ClinVar aggregate classification (germline): Uncertain significance (1 of 4 stars; one submission).

Allele frequency attached by ClinVar (database versions not stated): 1000 Genomes Project 30x 0.00016; 1000 Genomes Project 0.00020; gnomAD 0.00024; TOPMed 0.00031; gnomAD exomes 0.00038; ExAC 0.00046; ESP Exome Variant Server 0.00062.
gnomAD v4.1: 598 of 1,613,790 alleles (0.037%); highest among the groups gnomAD compares: Middle Eastern, 0.13%; no homozygotes.

Submission:

Labcorp Genetics (formerly Invitae), Labcorp
Classification: Uncertain significance. Last evaluated: 2026-02-04. Review status: criteria provided, single submitter. Criteria: Invitae Variant Classification Sherloc (09022015). Collection method: clinical testing. Allele origin: germline.
Comment: This sequence change replaces alanine, which is neutral and non-polar, with valine, which is neutral and non-polar, at codon 157 of the MCM5 protein (p.Ala157Val). This variant is present in population databases (rs140804920, gnomAD 0.05%), and has an allele count higher than expected for a pathogenic variant. This variant has not been reported in the literature in individuals affected with MCM5-related conditions. ClinVar contains an entry for this variant (Variation ID: 1521708). Invitae Evidence Modeling of protein sequence and biophysical properties (such as structural, functional, and spatial information, amino acid conservation, physicochemical variation, residue mobility, and thermodynamic stability) indicates that this missense variant is not expected to disrupt MCM5 protein function with a negative predictive value of 80%. In summary, the available evidence is currently insufficient to determine the role of this variant in disease. Therefore, it has been classified as a Variant of Uncertain Significance.